The following is an entry in ClinVar:

NM_003906.5(MCM3AP):c.3735-1G>A

Gene: MCM3AP (minichromosome maintenance complex component 3 associated protein; minus strand). Cytogenetic location: 21q22.3.
Variant type: single nucleotide variant.
Coding change: c.3735-1G>A on transcript NM_003906.5 (MANE Select); the canonical splice acceptor site of the intron before coding-DNA position 3735, G replaced by A.
Molecular consequence: splice acceptor variant.
Genome position (GRCh38, 1-based): chr21:46,256,987, C>T on the plus strand (G>A on the coding strand, the complement: MCM3AP is on the minus strand). VCF-style: chr21-46256987-C-T. GRCh37 (hg19) VCF-style: chr21-47676901-C-T.
Identifiers: ClinVar variation 5006433 (VCV005006433.2).

ClinVar aggregate classification (germline): Uncertain significance (1 of 4 stars; one submission).

Conditions:
Peripheral neuropathy, autosomal recessive, with or without impaired intellectual development. Identifiers: MedGen C4748283, MONDO:0029131, OMIM 618124.

Submission:

Juno Genomics, Hangzhou Juno Genomics, Inc
Classification: Uncertain significance for Peripheral neuropathy, autosomal recessive, with or without impaired intellectual development. Review status: criteria provided, single submitter. Criteria: ACMG Guidelines, 2015. Collection method: clinical testing. Allele origin: germline.
Comment: Null variant in a gene where loss of function (LOF) is a known mechanism of disease.;Absent from controls (or at extremely low frequency if recessive) in Genome Aggregation Database.